The following is an entry in ClinVar:

ClinVar aggregate classification (germline): Conflicting classifications of pathogenicity. Review status: criteria provided, conflicting classifications (1 of 4 stars). 3 submissions from 3 submitters: Uncertain significance (2); Likely benign (1). Last evaluated 2025-11-17.

Conditions:
Emery-Dreifuss muscular dystrophy 5, autosomal dominant (EDMD5). Also called: EMERY-DREIFUSS MUSCULAR DYSTROPHY 5. Identifiers: Orphanet 261, MedGen C2751805, MONDO:0013072, OMIM 612999.

gnomAD v4.1: 19 of 1,613,976 alleles (0.0012%); highest among the groups gnomAD compares: Admixed American, 0.005%; no homozygotes.

Submissions (3):

Labcorp Genetics (formerly Invitae), Labcorp
Classification: Uncertain significance for Emery-Dreifuss muscular dystrophy 5, autosomal dominant. Last evaluated: 2025-11-17. Review status: criteria provided, single submitter. Criteria: Invitae Variant Classification Sherloc (09022015). Collection method: clinical testing. Allele origin: germline.
Comment: This sequence change replaces serine, which is neutral and polar, with leucine, which is neutral and non-polar, at codon 2497 of the SYNE2 protein (p.Ser2497Leu). This variant is present in population databases (rs778422950, gnomAD 0.009%). This variant has not been reported in the literature in individuals affected with SYNE2-related conditions. ClinVar contains an entry for this variant (Variation ID: 3905219). An algorithm developed to predict the effect of missense changes on protein structure and function outputs the following: PolyPhen-2: "Benign". The leucine amino acid residue is found in multiple mammalian species, which suggests that this missense change does not adversely affect protein function. In summary, the available evidence is currently insufficient to determine the role of this variant in disease. Therefore, it has been classified as a Variant of Uncertain Significance.

Ambry Genetics
Classification: Uncertain significance. Last evaluated: 2025-10-06. Review status: criteria provided, single submitter. Criteria: Ambry Variant Classification Scheme 2023. Collection method: clinical testing. Allele origin: germline.

CeGaT Center for Human Genetics Tuebingen
Classification: Likely benign. Last evaluated: 2025-05-01. Review status: criteria provided, single submitter. Criteria: CeGaT Center For Human Genetics Tuebingen Variant Classification Criteria Version 2. Collection method: clinical testing. Allele origin: germline. Affected: yes. Observed: 1 variant allele.
Comment: SYNE2: BP4

NM_182914.3(SYNE2):c.7490C>T (p.Ser2497Leu)

Gene: SYNE2 (spectrin repeat containing nuclear envelope protein 2; plus strand). Cytogenetic location: 14q23.2.
Variant type: single nucleotide variant.
Coding change: c.7490C>T on transcript NM_182914.3 (MANE Select); coding-DNA position 7490, C replaced by T.
Protein change: p.Ser2497Leu; replaces serine 2497 with leucine.
Molecular consequence: missense variant.
Genome position (GRCh38, 1-based): chr14:64,049,723, C>T. VCF-style: chr14-64049723-C-T. GRCh37 (hg19) VCF-style: chr14-64516441-C-T.
Other names: c.7490C>T (NM_182914.2); c.7490C>T, p.Ser2497Leu (NM_015180.6); short protein forms S2497L.
Identifiers: ClinVar variation 3905219 (VCV003905219.11).